The following is an entry in ClinVar:

ClinVar aggregate classification (germline): Benign/Likely benign. Review status: criteria provided, multiple submitters, no conflicts (2 of 4 stars). 3 submissions from 3 submitters: Benign (1); Likely benign (1). 1 of the submissions does not count toward it. Last evaluated 2025-12-07.

Allele frequency attached by ClinVar (database versions not stated): 1000 Genomes Project 0.00319; gnomAD 0.00001 and 0.00040; TOPMed 0.00012; gnomAD exomes 0.00061 and 0.00120; ExAC 0.00116; 1000 Genomes Project 30x 0.00250.
gnomAD v4.1: 976 of 1,614,204 alleles (0.06%); highest among the groups gnomAD compares: South Asian, 0.97%; 15 homozygotes.

Submissions (3):

Labcorp Genetics (formerly Invitae), Labcorp
Classification: Benign. Last evaluated: 2025-12-07. Review status: criteria provided, single submitter. Criteria: Invitae Variant Classification Sherloc (09022015). Collection method: clinical testing. Allele origin: germline.

Laboratory for Molecular Medicine, Mass General Brigham Personalized Medicine
Classification: Likely benign. Last evaluated: 2010-05-11. Review status: criteria provided, single submitter. Criteria: LMM Criteria. Collection method: clinical testing. Allele origin: germline. Observed: 2 variant alleles.
Comment: As it is therefore not a somatic change it is less likely to play a role in tumorigenesis.

ITMI
No classification provided. Condition: AllHighlyPenetrant. Last evaluated: 2013-09-19. Review status: no classification provided. Collection method: reference population. Allele origin: germline. Not counted in ClinVar's aggregate classification.
Comment: Please see associated publication for description of ethnicities

Literature cited by the submitters: PubMed 24728327 (cited by ITMI).

NM_004448.4(ERBB2):c.2443G>A (p.Gly815Arg)

Gene: ERBB2 (erb-b2 receptor tyrosine kinase 2; plus strand). Cytogenetic location: 17q12.
Variant type: single nucleotide variant.
Coding change: c.2443G>A on transcript NM_004448.4 (MANE Select); coding-DNA position 2443, G replaced by A.
Protein change: p.Gly815Arg; replaces glycine 815 with arginine.
Molecular consequence: missense variant. On other transcripts: non-coding transcript variant (1), intron variant (2).
Genome position (GRCh38, 1-based): chr17:39,724,861, G>A. VCF-style: chr17-39724861-G-A. GRCh37 (hg19) VCF-style: chr17-37881114-G-A.
Other names: c.2353G>A, p.Gly785Arg (NM_001005862.3, NM_001382782.1, NM_001382783.1); c.2398G>A, p.Gly800Arg (NM_001289936.2); c.2443G>A, p.Gly815Arg (NM_001289937.2, NM_001382796.1, NM_001382798.1); c.2560G>A, p.Gly854Arg (NM_001382784.1); c.2545G>A, p.Gly849Arg (NM_001382785.1); c.2524G>A, p.Gly842Arg (NM_001382786.1); c.2518G>A, p.Gly840Arg (NM_001382787.1); c.2473G>A, p.Gly825Arg (NM_001382788.1); and 13 more; short protein forms G815R, G785R, G800R, G469R, G539R, G729R, G755R, G782R.
Identifiers: ClinVar variation 44994 (VCV000044994.12), dbSNP rs368094521, ClinGen allele CA135402.